The following is an entry in ClinVar:

NM_007294.4(BRCA1):c.788del (p.Gly263fs)

Gene: BRCA1 (BRCA1 DNA repair associated; minus strand). Cytogenetic location: 17q21.31.
Variant type: Deletion.
Coding change: c.788del on transcript NM_007294.4 (MANE Select); coding-DNA position 788, one base deleted (G; older notation c.788delG).
Protein change: p.Gly263fs; shifts the reading frame from glycine 263.
Molecular consequence: frameshift variant. On other transcripts: splice donor variant (123), intron variant (13), 5 prime UTR variant (2).
Genome position (GRCh38, 1-based): chr17:43,094,743, C deleted on the plus strand (G on the coding strand, the reverse complement: BRCA1 is on the minus strand); the first of 3 consecutive C bases (chr17:43,094,743-43,094,745); deleting any one gives the same sequence. VCF-style (leftmost placement, unchanged base first): chr17-43094742-AC-A. GRCh37 (hg19) VCF-style: chr17-41246759-AC-A.
Other names: c.646+1del (NM_001408455.1, NM_001408466.1, NM_001408452.1 and 11 more transcripts); c.577+1del (NM_001408513.1, NM_001408489.1, NM_001408479.1 and 9 more transcripts); c.520+1del (NM_001408503.1, NM_001408505.1, NM_001408504.1); c.523+1del (NM_001408500.1, NM_001408497.1, NM_001408496.1 and 3 more transcripts); c.460+1103del (NM_001408507.1, NM_001408506.1); c.545-3711del (NM_001408495.1); c.787+1del (NM_001407973.1, NM_001408403.1, NM_001407980.1 and 19 more transcripts); c.404-3711del (NM_001408511.1); and 40 more; short protein forms G216fs, G263fs, G136fs, G151fs, G260fs, G175fs, G193fs, G215fs.
Identifiers: ClinVar variation 935747 (VCV000935747.8), dbSNP rs886040319, ClinGen allele CA1139664807.

ClinVar aggregate classification (germline): Pathogenic/Likely pathogenic. Review status: criteria provided, multiple submitters, no conflicts (2 of 4 stars). 3 submissions from 3 submitters: Pathogenic (1); Likely pathogenic (2). Last evaluated 2022-09-14.

Conditions:
Hereditary breast ovarian cancer syndrome. Also called: BRCA1- and BRCA2-Associated Hereditary Breast and Ovarian Cancer; Hereditary breast and/or ovarian cancer syndrome; Hereditary breast and ovarian cancer syndrome; Hereditary breast and ovarian cancer; Breast and ovarian cancer; Hereditary breast and ovarian cancer syndrome (HBOC). Identifiers: Orphanet 145, MedGen C0677776, MeSH D061325, MONDO:0003582. Disease mechanism: loss of function.

Submissions (3):

Revvity Omics, Revvity
Classification: Likely pathogenic. Last evaluated: 2022-09-14. Review status: criteria provided, single submitter. Criteria: ACMG Guidelines, 2015. Collection method: clinical testing. Allele origin: germline.

Quest Diagnostics Nichols Institute San Juan Capistrano
Classification: Likely pathogenic. Last evaluated: 2019-10-11. Review status: criteria provided, single submitter. Criteria: Quest Diagnostics criteria. Collection method: clinical testing. Allele origin: unknown.
Comment: The variant results in a shift of the reading frame, and is therefore predicted to result in the loss of a functional protein. The gain of a new splice site is predicted. Not found in the total gnomAD dataset, and the data is high quality.

Labcorp Genetics (formerly Invitae), Labcorp
Classification: Pathogenic for Hereditary breast ovarian cancer syndrome. Last evaluated: 2019-08-23. Review status: criteria provided, single submitter. Criteria: Invitae Variant Classification Sherloc (09022015). Collection method: clinical testing. Allele origin: germline.
Comment: This sequence change creates a premature translational stop signal (p.Gly263Valfs*35) in the BRCA1 gene. It is expected to result in an absent or disrupted protein product. This variant is not present in population databases (ExAC no frequency). This variant has been reported in an individual in the Leiden Open-source Variation Database (PMID: 21520333). Algorithms developed to predict the effect of sequence changes on RNA splicing suggest that this variant may create or strengthen a splice site, but this prediction has not been confirmed by published transcriptional studies. Loss-of-function variants in BRCA1 are known to be pathogenic (PMID: 20104584). For these reasons, this variant has been classified as Pathogenic.

Literature cited by the submitters: PubMed 21520333 (cited by Labcorp Genetics (formerly Invitae), Labcorp); PubMed 20104584 (cited by Labcorp Genetics (formerly Invitae), Labcorp).